The following is an entry in ClinVar:

ClinVar aggregate classification (germline): Uncertain significance (1 of 4 stars; one submission).

Submission:

GeneDx
Classification: Uncertain significance. Last evaluated: 2024-12-10. Review status: criteria provided, single submitter. Criteria: GeneDx Variant Classification Process June 2021. Collection method: clinical testing. Allele origin: germline. Affected: yes.
Comment: Not observed at significant frequency in large population cohorts (gnomAD); In silico analysis supports that this missense variant has a deleterious effect on protein structure/function; Has not been previously published as pathogenic or benign to our knowledge

NM_004586.3(RPS6KA3):c.299A>G (p.Lys100Arg)

Gene: RPS6KA3 (ribosomal protein S6 kinase A3; minus strand). Cytogenetic location: Xp22.12.
Variant type: single nucleotide variant.
Coding change: c.299A>G on transcript NM_004586.3 (MANE Select); coding-DNA position 299, A replaced by G.
Protein change: p.Lys100Arg; replaces lysine 100 with arginine.
Molecular consequence: missense variant.
Genome position (GRCh38, 1-based): chrX:20,204,048, T>C on the plus strand (A>G on the coding strand, the complement: RPS6KA3 is on the minus strand). VCF-style: chrX-20204048-T-C. GRCh37 (hg19) VCF-style: chrX-20222166-T-C.
Other names: short protein forms K100R.
Identifiers: ClinVar variation 3903358 (VCV003903358.1).